The following is an entry in ClinVar:

ClinVar aggregate classification (germline): Uncertain significance (1 of 4 stars; one submission).

Conditions:
Immunodeficiency. Identifiers: MedGen C0021051, MONDO:0021094, HP:0002721.

Allele frequency attached by ClinVar (database versions not stated): gnomAD exomes below 0.00001.
gnomAD v4.1: 1 of 1,614,106 alleles (0.000062%); highest among the groups gnomAD compares: Non-Finnish European, 0.000085%; no homozygotes.

Submission:

Labcorp Genetics (formerly Invitae), Labcorp
Classification: Uncertain significance for Immunodeficiency. Last evaluated: 2023-08-10. Review status: criteria provided, single submitter. Criteria: Invitae Variant Classification Sherloc (09022015). Collection method: clinical testing. Allele origin: germline.
Comment: An algorithm developed to predict the effect of missense changes on protein structure and function (PolyPhen-2) suggests that this variant is likely to be disruptive. ClinVar contains an entry for this variant (Variation ID: 526773). This variant has not been reported in the literature in individuals affected with NFAT5-related conditions. This variant is not present in population databases (gnomAD no frequency). This sequence change replaces glutamine, which is neutral and polar, with histidine, which is basic and polar, at codon 1116 of the NFAT5 protein (p.Gln1116His). In summary, the available evidence is currently insufficient to determine the role of this variant in disease. Therefore, it has been classified as a Variant of Uncertain Significance.

NM_138713.4(NFAT5):c.3630G>C (p.Gln1210His)

Gene: NFAT5 (nuclear factor of activated T cells 5; plus strand). Cytogenetic location: 16q22.1.
Variant type: single nucleotide variant.
Coding change: c.3630G>C on transcript NM_138713.4 (MANE Select); coding-DNA position 3630, G replaced by C.
Protein change: p.Gln1210His; replaces glutamine 1210 with histidine.
Molecular consequence: missense variant.
Genome position (GRCh38, 1-based): chr16:69,693,455, G>C. VCF-style: chr16-69693455-G-C. GRCh37 (hg19) VCF-style: chr16-69727358-G-C.
Other names: c.3627G>C, p.Gln1209His (NM_001113178.3); c.2955G>C, p.Gln985His (NM_001367709.1); c.3576G>C, p.Gln1192His (NM_006599.4); c.3348G>C, p.Gln1116His (NM_138714.4, NM_173214.3, NM_173215.3); c.3630G>C, p.Gln1210His (LRG_1332t1); short protein forms Q1116H, Q1210H, Q1209H, Q985H, Q1192H.
Identifiers: ClinVar variation 526773 (VCV000526773.9), dbSNP rs1555534920, ClinGen allele CA396513435.